The following is an entry in ClinVar:

NM_001267550.2(TTN):c.106781C>T (p.Thr35594Ile)

Genes: TTN-AS1 (TTN antisense RNA 1; plus strand), TTN (titin; minus strand). Cytogenetic location: 2q31.2.
Variant type: single nucleotide variant.
Coding change: c.106781C>T on transcript NM_001267550.2 (MANE Select); coding-DNA position 106781, C replaced by T.
Protein change: p.Thr35594Ile; replaces threonine 35594 with isoleucine.
Molecular consequence: missense variant.
Genome position (GRCh38, 1-based): chr2:178,528,970, G>A on the plus strand (C>T on the coding strand, the complement: TTN is on the minus strand). VCF-style: chr2-178528970-G-A. GRCh37 (hg19) VCF-style: chr2-179393697-G-A.
Other names: c.101858C>T, p.Thr33953Ile (NM_001256850.1); c.79586C>T, p.Thr26529Ile (NM_003319.4); c.99077C>T, p.Thr33026Ile (NM_133378.4); c.79961C>T, p.Thr26654Ile (NM_133432.3); c.80162C>T, p.Thr26721Ile (NM_133437.4); short protein forms T26721I, T33026I, T33953I, T26529I, T26654I, T35594I.
Identifiers: ClinVar variation 1761373 (VCV001761373.3), dbSNP rs756850637, ClinGen allele CA349403109.
Genomic context (GRCh38, chr2:178,528,970, plus strand): 5'-GTAGAAAATGCTTTAATCTCAGCATGAGTTCTGACTTCTTCTGATGCCTGTGATGTTTTA[G>A]TGATTTCCTCATGGACAATGGATTTTTCCAGGGAGGTTGCTGCTGATTTCTTGACTTCTT-3'
Protein context (NP_001254479.2, residues 35584-35604): LEKSIVHEEI[Thr35594Ile]KTSQASEEVR

ClinVar aggregate classification (germline): Uncertain significance. Review status: criteria provided, multiple submitters, no conflicts (2 of 4 stars). 2 submissions from 2 submitters: Uncertain significance (2). Last evaluated 2025-09-16.

Conditions:
Autosomal recessive limb-girdle muscular dystrophy type 2J (LGMDR10). Also called: Limb-girdle muscular dystrophy, type 2J; MUSCULAR DYSTROPHY, LIMB-GIRDLE, AUTOSOMAL RECESSIVE 10. Identifiers: Orphanet 140922, MedGen C1837342, MONDO:0012127, OMIM 608807.
Dilated cardiomyopathy 1G (CMD1G). Identifiers: Orphanet 154, MedGen C1858763, MONDO:0011400, OMIM 604145.
Cardiovascular phenotype. Identifiers: MedGen CN230736.

Submissions (2):

Labcorp Genetics (formerly Invitae), Labcorp
Classification: Uncertain significance for Dilated cardiomyopathy 1G; Autosomal recessive limb-girdle muscular dystrophy type 2J. Last evaluated: 2025-09-16. Review status: criteria provided, single submitter. Criteria: Invitae Variant Classification Sherloc (09022015). Collection method: clinical testing. Allele origin: germline.
Comment: This sequence change replaces threonine, which is neutral and polar, with isoleucine, which is neutral and non-polar, at codon 35594 of the TTN protein (p.Thr35594Ile). This variant is not present in population databases (gnomAD no frequency). This variant has not been reported in the literature in individuals affected with TTN-related conditions. ClinVar contains an entry for this variant (Variation ID: 1761373). Experimental studies and prediction algorithms are not available or were not evaluated, and the functional significance of this variant is currently unknown. This variant is located in the M band of TTN (PMID: 25589632). Non-truncating variants in this region may be relevant for neuromuscular disorders, but have not been definitively shown to cause cardiomyopathy (PMID: 23975875). In summary, the available evidence is currently insufficient to determine the role of this variant in disease. Therefore, it has been classified as a Variant of Uncertain Significance.

Ambry Genetics
Classification: Uncertain significance for Cardiovascular phenotype. Last evaluated: 2020-01-29. Review status: criteria provided, single submitter. Criteria: Ambry Variant Classification Scheme 2023. Collection method: clinical testing. Allele origin: germline.
Comment: The p.T26529I variant (also known as c.79586C>T), located in coding exon 187 of the TTN gene, results from a C to T substitution at nucleotide position 79586. The threonine at codon 26529 is replaced by isoleucine, an amino acid with similar properties. This amino acid position is not well conserved in available vertebrate species. In addition, this alteration is predicted to be tolerated by in silico analysis. Since supporting evidence is limited at this time, the clinical significance of this alteration remains unclear.

Literature cited by the submitters: PubMed 25589632 (cited by Labcorp Genetics (formerly Invitae), Labcorp); PubMed 23975875 (cited by Labcorp Genetics (formerly Invitae), Labcorp).